The following is an entry in ClinVar:

ClinVar aggregate classification (germline): Uncertain significance (1 of 4 stars; one submission).

Conditions:
Spastic paraplegia. Identifiers: MedGen C0037772, HP:0001258.

Submission:

Labcorp Genetics (formerly Invitae), Labcorp
Classification: Uncertain significance for Spastic paraplegia. Last evaluated: 2022-11-30. Review status: criteria provided, single submitter. Criteria: Invitae Variant Classification Sherloc (09022015). Collection method: clinical testing. Allele origin: germline.
Comment: This variant, c.902_910dup, results in the insertion of 3 amino acid(s) of the GJC2 protein (p.Arg301_Gly303dup), but otherwise preserves the integrity of the reading frame. In summary, the available evidence is currently insufficient to determine the role of this variant in disease. Therefore, it has been classified as a Variant of Uncertain Significance. This variant has not been reported in the literature in individuals affected with GJC2-related conditions. This variant is not present in population databases (gnomAD no frequency).

NM_020435.4(GJC2):c.902_910dup (p.Gly303_Pro304insArgArgGly)

Gene: GJC2 (gap junction protein gamma 2; plus strand). Cytogenetic location: 1q42.13.
Variant type: Duplication.
Coding change: c.902_910dup on transcript NM_020435.4 (MANE Select); coding-DNA positions 902 to 910, 9 bases duplicated (GCCGCGGCC; older notation c.902_910dupGCCGCGGCC).
Protein change: p.Gly303_Pro304insArgArgGly.
Molecular consequence: inframe insertion.
Genome position (GRCh38, 1-based): chr1:228,158,660-228,158,668, GCCGCGGCC duplicated; duplicating any 9 consecutive bases within chr1:228,158,653-228,158,668 gives the same sequence; the c. name uses the placement nearest the transcript's 3' end. VCF-style (leftmost placement, unchanged base first): chr1-228158652-G-GCGCGGCCGC. GRCh37 (hg19) VCF-style: chr1-228346353-G-GCGCGGCCGC.
Identifiers: ClinVar variation 2817664 (VCV002817664.3), dbSNP rs2034722944, ClinGen allele CA1225624570.